The following is an entry in ClinVar:

ClinVar aggregate classification (germline): Pathogenic (1 of 4 stars; one submission).

Conditions:
Neuronal ceroid lipofuscinosis. Also called: Neuronal Ceroid Lipofuscinoses. Identifiers: Orphanet 216, Orphanet 79263, MedGen C0027877, MONDO:0016295. Disease mechanism: loss of function.

Submission:

Labcorp Genetics (formerly Invitae), Labcorp
Classification: Pathogenic for Neuronal ceroid lipofuscinosis. Last evaluated: 2020-11-27. Review status: criteria provided, single submitter. Criteria: Invitae Variant Classification Sherloc (09022015). Collection method: clinical testing. Allele origin: germline.
Comment: For these reasons, this variant has been classified as Pathogenic. This variant disrupts the C-terminus of the CLN6 protein. Other variant(s) that disrupt this region (p.Tyr221*) have been determined to be pathogenic (PMID: 15996215, Invitae). This suggests that variants that disrupt this region of the protein are likely to be causative of disease. This sequence change creates a premature translational stop signal (p.Leu219Cysfs*50) in the CLN6 gene. While this is not anticipated to result in nonsense mediated decay, it is expected to disrupt the last 93 amino acid(s) of the CLN6 protein. This variant is not present in population databases (ExAC no frequency). This variant has not been reported in the literature in individuals with CLN6-related conditions.

Literature cited by the submitters: PubMed 15996215.

NM_017882.3(CLN6):c.655del (p.Leu219fs)

Gene: CLN6 (CLN6 transmembrane ER protein; minus strand). Cytogenetic location: 15q23.
Variant type: Deletion.
Coding change: c.655del on transcript NM_017882.3 (MANE Select); coding-DNA position 655, one base deleted (C; older notation c.655delC).
Protein change: p.Leu219fs; shifts the reading frame from leucine 219.
Molecular consequence: frameshift variant.
Genome position (GRCh38, 1-based): chr15:68,209,647, G deleted on the plus strand (C on the coding strand, the reverse complement: CLN6 is on the minus strand); the first of 2 consecutive G bases (chr15:68,209,647-68,209,648); deleting either gives the same sequence. VCF-style (leftmost placement, unchanged base first): chr15-68209646-AG-A. GRCh37 (hg19) VCF-style: chr15-68501984-AG-A.
Other names: short protein forms L219fs.
Identifiers: ClinVar variation 1451380 (VCV001451380.8), dbSNP rs2141137200, ClinGen allele CA2573151117.